The following is an entry in ClinVar:

NM_020223.4(FAM20C):c.606-155C>T

Gene: FAM20C (FAM20C golgi associated secretory pathway kinase; plus strand). Cytogenetic location: 7p22.3.
Variant type: single nucleotide variant.
Coding change: c.606-155C>T on transcript NM_020223.4 (MANE Select); 155 bases into the intron before coding-DNA position 606, C replaced by T.
Molecular consequence: intron variant.
Genome position (GRCh38, 1-based): chr7:195,399, C>T. VCF-style: chr7-195399-C-T. GRCh37 (hg19) VCF-style: chr7-195399-C-T.
Identifiers: ClinVar variation 2501345 (VCV002501345.1), dbSNP rs78062493, ClinGen allele CA152226369.

ClinVar aggregate classification (germline): Likely benign (1 of 4 stars; one submission).

Allele frequency attached by ClinVar (database versions not stated): 1000 Genomes Project 30x 0.00718; 1000 Genomes Project 0.00739.
gnomAD v4.1: 1,477 of 575,936 alleles (0.26%); highest among the groups gnomAD compares: African/African-American, 1.1%; 11 homozygotes.

Submission:

GeneDx
Classification: Likely benign. Last evaluated: 2021-05-18. Review status: criteria provided, single submitter. Criteria: GeneDx Variant Classification Process June 2021. Collection method: clinical testing. Allele origin: germline. Affected: yes.
Comment: See Variant Classification Assertion Criteria.